The following is an entry in ClinVar:

ClinVar aggregate classification (germline): Uncertain significance (1 of 4 stars; one submission).

Allele frequency attached by ClinVar (database versions not stated): gnomAD exomes below 0.00001.
gnomAD v4.1: 5 of 1,614,084 alleles (0.00031%); highest among the groups gnomAD compares: South Asian, 0.0033%; no homozygotes.

Submission:

Ambry Genetics
Classification: Uncertain significance. Last evaluated: 2022-01-15. Review status: criteria provided, single submitter. Criteria: Ambry Variant Classification Scheme 2023. Collection method: clinical testing. Allele origin: germline.
Comment: The p.C383Y variant (also known as c.1148G>A), located in coding exon 3 of the ALPK2 gene, results from a G to A substitution at nucleotide position 1148. The cysteine at codon 383 is replaced by tyrosine, an amino acid with highly dissimilar properties. This amino acid position is conserved. In addition, this alteration is predicted to be tolerated by in silico analysis. Since supporting evidence is limited at this time, the clinical significance of this alteration remains unclear.

NM_052947.4(ALPK2):c.1148G>A (p.Cys383Tyr)

Genes: ALPK2 (alpha kinase 2; minus strand), LOC114803473 (ALPK2 eExon liver enhancer; plus strand). Cytogenetic location: 18q21.31.
Variant type: single nucleotide variant.
Coding change: c.1148G>A on transcript NM_052947.4 (MANE Select); coding-DNA position 1148, G replaced by A.
Protein change: p.Cys383Tyr; replaces cysteine 383 with tyrosine.
Molecular consequence: missense variant.
Genome position (GRCh38, 1-based): chr18:58,579,628, C>T on the plus strand (G>A on the coding strand, the complement: ALPK2 is on the minus strand). VCF-style: chr18-58579628-C-T. GRCh37 (hg19) VCF-style: chr18-56246860-C-T.
Other names: short protein forms C383Y.
Identifiers: ClinVar variation 1733061 (VCV001733061.2), dbSNP rs1285385938, ClinGen allele CA402564493.